The following is an entry in ClinVar:

ClinVar aggregate classification (germline): Pathogenic (1 of 4 stars; one submission).

Submission:

Labcorp Genetics (formerly Invitae), Labcorp
Classification: Pathogenic. Last evaluated: 2019-10-29. Review status: criteria provided, single submitter. Criteria: Invitae Variant Classification Sherloc (09022015). Collection method: clinical testing. Allele origin: germline.
Comment: For these reasons, this variant has been classified as Pathogenic. Loss-of-function variants in TCIRG1 are known to be pathogenic (PMID: 10888887, 10942435, 11532986, 19448635). This variant has not been reported in the literature in individuals with TCIRG1-related conditions. This variant is not present in population databases (ExAC no frequency). This sequence change creates a premature translational stop signal (p.Leu34Serfs*11) in the TCIRG1 gene. It is expected to result in an absent or disrupted protein product.

Literature cited by the submitters: PubMed 10888887; PubMed 10942435; PubMed 11532986; PubMed 19448635.

NM_006019.4(TCIRG1):c.100_101delinsA (p.Leu34fs)

Gene: TCIRG1 (T cell immune regulator 1, ATPase H+ transporting V0 subunit a3; plus strand). Cytogenetic location: 11q13.2.
Variant type: Indel.
Coding change: c.100_101delinsA on transcript NM_006019.4 (MANE Select); coding-DNA positions 100 to 101, CT replaced by A.
Protein change: p.Leu34fs; shifts the reading frame from leucine 34.
Molecular consequence: frameshift variant. On other transcripts: 5 prime UTR variant (1).
Genome position (GRCh38, 1-based): chr11:68,041,371-68,041,372, CT replaced by A. VCF-style: chr11-68041371-CT-A. GRCh37 (hg19) VCF-style: chr11-67808838-CT-A.
Other names: c.-1150_-1149delinsA (NM_001351059.2); short protein forms L34fs.
Identifiers: ClinVar variation 971145 (VCV000971145.6), dbSNP rs1855151891, ClinGen allele CA1139662062.